The following is an entry in ClinVar:

ClinVar aggregate classification (germline): Likely benign (1 of 4 stars; one submission).

Submission:

CeGaT Center for Human Genetics Tuebingen
Classification: Likely benign. Last evaluated: 2025-12-01. Review status: criteria provided, single submitter. Criteria: CeGaT Center For Human Genetics Tuebingen Variant Classification Criteria Version 2. Collection method: clinical testing. Allele origin: germline. Affected: yes. Observed: 1 variant allele.
Comment: AFG2A: PM2:Supporting, BP4, BP7

NM_145207.3(AFG2A):c.786T>C (p.Asn262=)

Gene: AFG2A (AAA ATPase AFG2A; plus strand). Cytogenetic location: 4q28.1.
Variant type: single nucleotide variant.
Coding change: c.786T>C on transcript NM_145207.3 (MANE Select); coding-DNA position 786, T replaced by C.
Protein change: p.Asn262=; no amino-acid change (asparagine 262 retained).
Molecular consequence: synonymous variant.
Genome position (GRCh38, 1-based): chr4:122,934,377, T>C. VCF-style: chr4-122934377-T-C. GRCh37 (hg19) VCF-style: chr4-123855532-T-C.
Other names: c.783T>C, p.Asn261= (NM_001317799.2, NM_001345856.2, NM_001437913.1); c.786T>C, p.Asn262= (NM_001438322.1).
Identifiers: ClinVar variation 4681900 (VCV004681900.5).